The following is an entry in ClinVar:

NM_152383.5(DIS3L2):c.2551_2565del (p.Leu851_Ala855del)

Gene: DIS3L2 (DIS3 like 3'-5' exoribonuclease 2; plus strand). Cytogenetic location: 2q37.1.
Variant type: Deletion.
Coding change: c.2551_2565del on transcript NM_152383.5 (MANE Select); coding-DNA positions 2551 to 2565, 15 bases deleted (CTCAAGTACAGCGCC).
Protein change: p.Leu851_Ala855del.
Molecular consequence: inframe deletion. On other transcripts: non-coding transcript variant (2), intron variant (1).
Genome position (GRCh38, 1-based): chr2:232,336,523-232,336,537, CTCAAGTACAGCGCC deleted; deleting any 15 consecutive bases within chr2:232,336,520-232,336,537 gives the same sequence; the c. name uses the placement nearest the transcript's 3' end. VCF-style (leftmost placement, unchanged base first): chr2-232336519-AGCCCTCAAGTACAGC-A. GRCh37 (hg19) VCF-style: chr2-233201229-AGCCCTCAAGTACAGC-A.
Other names: c.1582-6822_1582-6808del (NM_001257281.2).
Identifiers: ClinVar variation 971647 (VCV000971647.9), dbSNP rs1695954636, ClinGen allele CA1139657780.

ClinVar aggregate classification (germline): Uncertain significance (1 of 4 stars; one submission).

Conditions:
Perlman syndrome (PRLMNS). Identifiers: Orphanet 2849, MedGen C0796113, MONDO:0009965, OMIM 267000.

Submission:

Labcorp Genetics (formerly Invitae), Labcorp
Classification: Uncertain significance for Perlman syndrome. Last evaluated: 2019-09-27. Review status: criteria provided, single submitter. Criteria: Invitae Variant Classification Sherloc (09022015). Collection method: clinical testing. Allele origin: germline.
Comment: This variant, c.2551_2565del, results in the deletion of 5 amino acid(s) of the DIS3L2 protein (p.Leu851_Ala855del), but otherwise preserves the integrity of the reading frame. This variant is not present in population databases (ExAC no frequency). This variant has not been reported in the literature in individuals with DIS3L2-related conditions. Experimental studies and prediction algorithms are not available or were not evaluated, and the functional significance of this variant is currently unknown. In summary, the available evidence is currently insufficient to determine the role of this variant in disease. Therefore, it has been classified as a Variant of Uncertain Significance.